The following is an entry in ClinVar:

ClinVar aggregate classification (germline): not provided (0 of 4 stars; one submission).

Conditions:
Large for gestational age. Identifiers: MedGen C1848395, HP:0001520.

Submission:

Institute of Molecular and Cell Biology, University of Tartu
No classification provided. Condition: Large for gestational age. Review status: no classification provided. Collection method: case-control. Allele origin: unknown. Affected: yes. Study: Kasak2014.
Comment: The study aimed to determine the contribution of copy number variants in the genetic etiology of normal and complicated pregnancies. The samples represented (i) maternal blood DNA drawn from healthy pregnant women during 1st or 2nd trimester and (ii) maternal and paternal blood DNA drawn at term pregnancy cases representing normal and complicated gestations (severe preeclampsia, PE; gestational diabetes, GD; small-for-gestational age newborn, SGA; large-for-gestational age newborn, LGA). We performed CNV calling based on genome-wide genotyping dataset (Illumina HumanOmniExpress-24-v1 BeadChip) by applying three algorithms, QuantiSNP, GADA (Genome Alteration Detection Algorithm) and CNstream in parallel. The acquired CNV calls were merged with HD-CNV (Hotspot Detector for Copy Number Variants) program and only the CNVs predicted by at least two programs, were considered in subsequent analysis.

Literature cited by the submitters: PubMed 25666259.

NC_000008.11:g.95947591_95957128del

Variant type: Deletion.
Genome position: GRCh38: chr8:95,947,591-95,957,128. GRCh37 (hg19): chr8:96,959,819-96,969,356.
Identifiers: ClinVar variation 157126 (VCV000157126.3), ClinGen allele CA212236.